The following is an entry in ClinVar:

NM_007129.5(ZIC2):c.1388_1389insAGCGGCGGCGGCAGCGGCGGCGGCAGCGGCGGC (p.Ala470_Val471insAlaAlaAlaAlaAlaAlaAlaAlaAlaAlaAla)

Genes: ZIC2 (Zic family zinc finger 2; plus strand), LOC110008580 (Zic family member 2 polyalanine repeat instability region; plus strand). Cytogenetic location: 13q32.3.
Variant type: Microsatellite.
Coding change: c.1388_1389insAGCGGCGGCGGCAGCGGCGGCGGCAGCGGCGGC on transcript NM_007129.5 (MANE Select); coding-DNA positions 1388 to 1389, AGCGGCGGCGGCAGCGGCGGCGGCAGCGGCGGC inserted.
Protein change: p.Ala470_Val471insAlaAlaAlaAlaAlaAlaAlaAlaAlaAlaAla.
Molecular consequence: inframe insertion.
Genome position: GRCh38: chr13:99,985,464-99,985,471. GRCh37 (hg19): chr13:100,637,718-100,637,725.
Identifiers: ClinVar variation 2029095 (VCV002029095.4), dbSNP rs2501551086.

ClinVar aggregate classification (germline): Likely pathogenic (1 of 4 stars; one submission).

Conditions:
Holoprosencephaly 5 (HPE5). Identifiers: Orphanet 2162, MedGen C1864827, MONDO:0012322, OMIM 609637.

Submission:

Labcorp Genetics (formerly Invitae), Labcorp
Classification: Likely pathogenic for Holoprosencephaly 5. Last evaluated: 2022-11-22. Review status: criteria provided, single submitter. Criteria: Invitae Variant Classification Sherloc (09022015). Collection method: clinical testing. Allele origin: germline.
Comment: In summary, the currently available evidence indicates that the variant is pathogenic, but additional data are needed to prove that conclusively. Therefore, this variant has been classified as Likely Pathogenic. Experimental studies and prediction algorithms are not available or were not evaluated, and the functional significance of this variant is currently unknown. This variant has been observed in individual(s) with holoprosencephaly (Invitae). In at least one individual the variant was observed to be de novo. This variant is not present in population databases (gnomAD no frequency). This variant, c.1388_1389insAGCGGCGGCGGCAGCGGCGGCGGCAGCGGCGGC, results in the insertion of 11 amino acid(s) of the ZIC2 protein (p.Ala460_Ala470dup), but otherwise preserves the integrity of the reading frame.